The following is an entry in ClinVar:

NM_178857.6(RP1L1):c.5480G>A (p.Gly1827Glu)

Gene: RP1L1 (RP1 like 1). Cytogenetic location: 8p23.1.
Variant type: single nucleotide variant.
Coding change: c.5480G>A on transcript NM_178857.6 (MANE Select); coding-DNA position 5480, G replaced by A.
Protein change: p.Gly1827Glu; replaces glycine 1827 with glutamic acid.
Molecular consequence: missense variant.
Genome position (GRCh38, 1-based): chr8:10,608,618, C>T on the plus strand (G>A on the coding strand, the complement: RP1L1 is on the minus strand). VCF-style: chr8-10608618-C-T. GRCh37 (hg19) VCF-style: chr8-10466128-C-T.
Other names: short protein forms G1827E.
Identifiers: ClinVar variation 3767562 (VCV003767562.3).

ClinVar aggregate classification (germline): Conflicting classifications of pathogenicity. Review status: criteria provided, conflicting classifications (1 of 4 stars). 3 submissions from 3 submitters: Uncertain significance (2); Likely benign (1). Last evaluated 2025-11-13.

Conditions:
Inborn genetic diseases. Identifiers: MedGen C0950123, MeSH D030342.

gnomAD v4.1: 92 of 1,614,214 alleles (0.0057%); highest among the groups gnomAD compares: African/African-American, 0.12%; no homozygotes.

Submissions (3):

Ambry Genetics
Classification: Uncertain significance for Inborn genetic diseases. Last evaluated: 2025-11-13. Review status: criteria provided, single submitter. Criteria: Ambry Variant Classification Scheme 2023. Collection method: clinical testing. Allele origin: germline.

Blueprint Genetics
Classification: Likely benign. Last evaluated: 2024-09-02. Review status: criteria provided, single submitter. Criteria: ACMG Guidelines, 2015. Collection method: clinical testing. Allele origin: germline.

GeneDx
Classification: Uncertain significance. Last evaluated: 2024-08-30. Review status: criteria provided, single submitter. Criteria: GeneDx Variant Classification Process June 2021. Collection method: clinical testing. Allele origin: germline. Affected: yes.
Comment: In silico analysis indicates that this missense variant does not alter protein structure/function; Has not been previously published as pathogenic or benign to our knowledge